The following is an entry in ClinVar:

NM_007294.4(BRCA1):c.86A>T (p.Glu29Val)

Gene: BRCA1 (BRCA1 DNA repair associated; minus strand). Cytogenetic location: 17q21.31.
Variant type: single nucleotide variant.
Coding change: c.86A>T on transcript NM_007294.4 (MANE Select); coding-DNA position 86, A replaced by T.
Protein change: p.Glu29Val; replaces glutamic acid 29 with valine.
Molecular consequence: missense variant. On other transcripts: non-coding transcript variant (1), intron variant (1).
Genome position (GRCh38, 1-based): chr17:43,115,774, T>A on the plus strand (A>T on the coding strand, the complement: BRCA1 is on the minus strand). VCF-style: chr17-43115774-T-A. GRCh37 (hg19) VCF-style: chr17-41267791-T-A.
Other names: c.-103A>T (NM_001407571.1, NM_001407853.1, NM_001407879.1 and 52 more transcripts); c.86A>T, p.Glu29Val (NM_001407581.1, NM_001407582.1, NM_001407583.1 and 192 more transcripts); c.-172A>T (NM_001407694.1, NM_001407696.1, NM_001407724.1 and 13 more transcripts); c.-176A>T (NM_001407695.1, NM_001408465.1); c.-56A>T (NM_001407697.1, NM_001407725.1, NM_001407728.1 and 47 more transcripts); c.-52A>T (NM_001407841.1); c.-219A>T (NM_001407889.1, NM_001407900.1, NM_001408492.1); c.-218A>T (NM_001407960.1, NM_001407962.1, NM_001408510.1 and 1 more transcripts); and 2 more; short protein forms E29V.
Identifiers: ClinVar variation 868125 (VCV000868125.3), dbSNP rs773841328, ClinGen allele CA10601982.

Conditions:
Breast-ovarian cancer, familial, susceptibility to, 1 (BROVCA1). Also called: BRCA1 Hereditary Breast and Ovarian Cancer; OVARIAN CANCER, SUSCEPTIBILITY TO. Identifiers: Orphanet 145, MedGen C2676676, MONDO:0011450, OMIM 604370. Disease mechanism: loss of function.

Submission:

Brotman Baty Institute, University of Washington
No classification provided (evidence only). Condition: Breast-ovarian cancer, familial 1. Review status: no classification provided. Collection method: in vitro. Allele origin: not applicable. Functional consequence: functionally_normal.
ClinVar note: "not provided" was previously submitted as the classification for the variant. However, the classification appeared to be based only on an observation of functional data so it was converted to no classification on 2025-07-30.